The following is an entry in ClinVar:

NM_001003800.2(BICD2):c.1217G>A (p.Arg406Gln)

Gene: BICD2 (BICD cargo adaptor 2; minus strand). Cytogenetic location: 9q22.31.
Variant type: single nucleotide variant.
Coding change: c.1217G>A on transcript NM_001003800.2 (MANE Select); coding-DNA position 1217, G replaced by A.
Protein change: p.Arg406Gln; replaces arginine 406 with glutamine.
Molecular consequence: missense variant.
Genome position (GRCh38, 1-based): chr9:92,719,428, C>T on the plus strand (G>A on the coding strand, the complement: BICD2 is on the minus strand). VCF-style: chr9-92719428-C-T. GRCh37 (hg19) VCF-style: chr9-95481710-C-T.
Other names: c.1217G>A, p.Arg406Gln (NM_015250.4); short protein forms R406Q.
Identifiers: ClinVar variation 2602140 (VCV002602140.5), dbSNP rs573924799, ClinGen allele CA5126605.
Genomic context (GRCh38, chr9:92,719,428, plus strand): 5'-TCGTAGTAGTCCCCATCCTCATGGCTGTCACGGTCCTTCTCGTTGTCCAGGGCTGTCTGC[C>T]GCTCCTTGCTGGCCTGCAGGCGCCGCAGGGCACTCAGATTCTCTGTGAGGCGGGTCACCT-3'
Protein context (NP_001003800.1, residues 396-416): ALRRLQASKE[Arg406Gln]QTALDNEKDR

ClinVar aggregate classification (germline): Uncertain significance. Review status: criteria provided, multiple submitters, no conflicts (2 of 4 stars). 2 submissions from 2 submitters: Uncertain significance (2). Last evaluated 2023-08-22.

Conditions:
Inborn genetic diseases. Identifiers: MedGen C0950123, MeSH D030342.
Autosomal dominant childhood-onset proximal spinal muscular atrophy with contractures (SMALED2A). Also called: SPINAL MUSCULAR ATROPHY, LOWER EXTREMITY-PREDOMINANT, 2A, CHILDHOOD ONSET, AUTOSOMAL DOMINANT; Spinal muscular atrophy, lower extremity-predominant, 2A, autosomal dominant. Identifiers: Orphanet 363447, Orphanet 363454, MedGen C4747715, MONDO:0014121, OMIM 615290.

Allele frequency attached by ClinVar (database versions not stated): TOPMed below 0.00001; gnomAD exomes 0.00001; ExAC 0.00002; gnomAD 0.00003; 1000 Genomes Project 30x 0.00016; 1000 Genomes Project 0.00020.

Submissions (2):

Ambry Genetics
Classification: Uncertain significance for Inborn genetic diseases. Last evaluated: 2023-08-22. Review status: criteria provided, single submitter. Criteria: Ambry Variant Classification Scheme 2023. Collection method: clinical testing. Allele origin: germline.

Labcorp Genetics (formerly Invitae), Labcorp
Classification: Uncertain significance for Autosomal dominant childhood-onset proximal spinal muscular atrophy with contractures. Last evaluated: 2023-05-11. Review status: criteria provided, single submitter. Criteria: Invitae Variant Classification Sherloc (09022015). Collection method: clinical testing. Allele origin: germline.
Comment: In summary, the available evidence is currently insufficient to determine the role of this variant in disease. Therefore, it has been classified as a Variant of Uncertain Significance. Advanced modeling of protein sequence and biophysical properties (such as structural, functional, and spatial information, amino acid conservation, physicochemical variation, residue mobility, and thermodynamic stability) performed at Invitae indicates that this missense variant is not expected to disrupt BICD2 protein function. This variant has not been reported in the literature in individuals affected with BICD2-related conditions. This variant is present in population databases (rs573924799, gnomAD 0.01%). This sequence change replaces arginine, which is basic and polar, with glutamine, which is neutral and polar, at codon 406 of the BICD2 protein (p.Arg406Gln).